The following is an entry in ClinVar:

ClinVar aggregate classification (germline): Uncertain significance (1 of 4 stars; one submission).

Conditions:
Limb-girdle muscular dystrophy due to POMK deficiency. Also called: MUSCULAR DYSTROPHY-DYSTROGLYCANOPATHY, LIMB-GIRDLE, POMK-RELATED; Muscular dystrophy-dystroglycanopathy (limb-girdle), type c, 12. Identifiers: Orphanet 445110, MedGen C4015184, MONDO:0014489, OMIM 616094.
Muscular dystrophy-dystroglycanopathy (congenital with brain and eye anomalies), type a, 12 (MDDGA12). Also called: WALKER-WARBURG SYNDROME OR MUSCLE-EYE-BRAIN DISEASE, POMK-RELATED. Identifiers: Orphanet 899, MedGen C3808964, MONDO:0014101, OMIM 615249.

Allele frequency attached by ClinVar (database versions not stated): TOPMed below 0.00001; gnomAD exomes 0.00001 and 0.00003; ExAC 0.00002; gnomAD 0.00002.
gnomAD v4.1: 21 of 1,614,004 alleles (0.0013%); highest among the groups gnomAD compares: South Asian, 0.013%; no homozygotes.

Submission:

Labcorp Genetics (formerly Invitae), Labcorp
Classification: Uncertain significance for Muscular dystrophy-dystroglycanopathy (congenital with brain and eye anomalies), type a, 12; Limb-girdle muscular dystrophy due to POMK deficiency. Last evaluated: 2022-03-19. Review status: criteria provided, single submitter. Criteria: Invitae Variant Classification Sherloc (09022015). Collection method: clinical testing. Allele origin: germline.
Comment: This sequence change replaces tyrosine, which is neutral and polar, with cysteine, which is neutral and slightly polar, at codon 57 of the POMK protein (p.Tyr57Cys). This variant is present in population databases (rs372826172, gnomAD 0.02%). This variant has not been reported in the literature in individuals affected with POMK-related conditions. ClinVar contains an entry for this variant (Variation ID: 1011886). Algorithms developed to predict the effect of missense changes on protein structure and function are either unavailable or do not agree on the potential impact of this missense change (SIFT: "Tolerated"; PolyPhen-2: "Possibly Damaging"; Align-GVGD: "Class C0"). In summary, the available evidence is currently insufficient to determine the role of this variant in disease. Therefore, it has been classified as a Variant of Uncertain Significance.

NM_032237.5(POMK):c.170A>G (p.Tyr57Cys)

Gene: POMK (protein O-mannose kinase; plus strand). Cytogenetic location: 8p11.21.
Variant type: single nucleotide variant.
Coding change: c.170A>G on transcript NM_032237.5 (MANE Select); coding-DNA position 170, A replaced by G.
Protein change: p.Tyr57Cys; replaces tyrosine 57 with cysteine.
Molecular consequence: missense variant.
Genome position (GRCh38, 1-based): chr8:43,103,718, A>G. VCF-style: chr8-43103718-A-G. GRCh37 (hg19) VCF-style: chr8-42958861-A-G.
Other names: c.170A>G, p.Tyr57Cys (NM_001277971.2); short protein forms Y57C.
Identifiers: ClinVar variation 1011886 (VCV001011886.2), dbSNP rs372826172, ClinGen allele CA4736213.